The following is an entry in ClinVar:

ClinVar aggregate classification (germline): Conflicting classifications of pathogenicity. Review status: criteria provided, conflicting classifications (1 of 4 stars). 3 submissions from 3 submitters: Uncertain significance (1); Likely benign (2). Last evaluated 2026-06-06.

Conditions:
Tuberous sclerosis syndrome (TSC). Also called: Tuberous Sclerosis Complex; Tuberous sclerosis. Identifiers: Orphanet 805, MedGen C0041341, MONDO:0001734.
Hereditary cancer-predisposing syndrome. Also called: Hereditary neoplastic syndrome; Neoplastic Syndromes, Hereditary; Tumor predisposition; Hereditary Cancer Syndrome. Identifiers: Orphanet 140162, MedGen C0027672, MeSH D009386, MONDO:0015356.
Tuberous sclerosis 2 (TSC2). Identifiers: Orphanet 805, MedGen C1860707, MONDO:0013199, OMIM 613254.

Allele frequency attached by ClinVar (database versions not stated): gnomAD exomes below 0.00001.
gnomAD v4.1: 1 of 1,593,122 alleles (0.000063%); highest among the groups gnomAD compares: Non-Finnish European, 0.000086%; no homozygotes.

Submissions (3):

Ambry Genetics
Classification: Likely benign for Hereditary cancer-predisposing syndrome. Last evaluated: 2026-06-06. Review status: criteria provided, single submitter. Criteria: Ambry Variant Classification Scheme 2023. Collection method: clinical testing. Allele origin: germline.

Color Diagnostics, LLC DBA Color Health
Classification: Uncertain significance for Tuberous sclerosis syndrome. Last evaluated: 2025-08-04. Review status: criteria provided, single submitter. Criteria: ACMG Guidelines, 2015. Collection method: clinical testing. Allele origin: germline.
Comment: This variant is located in the TSC2 protein. To our knowledge, functional studies have not been reported for this variant. This variant has not been reported in individuals affected with TSC2-related disorders in the literature. This variant has not been identified in the general population by the Genome Aggregation Database (gnomAD). The available evidence is insufficient to determine the role of this variant in disease conclusively. Therefore, this variant is classified as a Variant of Uncertain Significance.

Labcorp Genetics (formerly Invitae), Labcorp
Classification: Likely benign for Tuberous sclerosis 2. Last evaluated: 2025-03-31. Review status: criteria provided, single submitter. Criteria: Invitae Variant Classification Sherloc (09022015). Collection method: clinical testing. Allele origin: germline.

NM_000548.5(TSC2):c.4014A>G (p.Ser1338=)

Gene: TSC2 (TSC complex subunit 2; plus strand). Cytogenetic location: 16p13.3.
Variant type: single nucleotide variant.
Coding change: c.4014A>G on transcript NM_000548.5 (MANE Select); coding-DNA position 4014, A replaced by G.
Protein change: p.Ser1338=; no amino-acid change (serine 1338 retained).
Molecular consequence: synonymous variant.
Genome position (GRCh38, 1-based): chr16:2,084,236, A>G. VCF-style: chr16-2084236-A-G. GRCh37 (hg19) VCF-style: chr16-2134237-A-G.
Other names: c.4014A>G (NM_000548.3); c.3813A>G, p.Ser1271= (NM_001077183.3); c.3945A>G, p.Ser1315= (NM_001114382.3); c.3705A>G, p.Ser1235= (NM_001318827.2); c.3669A>G, p.Ser1223= (NM_001318829.2); c.3282A>G, p.Ser1094= (NM_001318831.2); c.3846A>G, p.Ser1282= (NM_001318832.2); c.3816A>G, p.Ser1272= (NM_001363528.2); and 2 more.
Identifiers: ClinVar variation 1091886 (VCV001091886.10), dbSNP rs1481292684, ClinGen allele CA493043006.